The following is an entry in ClinVar:

NM_000124.4(ERCC6):c.1158_1160del (p.Asp386del)

Genes: PGBD3 (piggyBac transposable element derived 3; minus strand), ERCC6 (ERCC excision repair 6, chromatin remodeling factor; minus strand). Cytogenetic location: 10q11.23.
Variant type: Deletion.
Coding change: c.1158_1160del on transcript NM_000124.4 (MANE Select); coding-DNA positions 1158 to 1160, 3 bases deleted (CGA; older notation c.1158_1160delCGA).
Protein change: p.Asp386del; deletes aspartic acid 386.
Molecular consequence: inframe deletion. On other transcripts: 5 prime UTR variant (1).
Genome position (GRCh38, 1-based): chr10:49,524,270-49,524,272, TCG deleted on the plus strand (CGA on the coding strand, the reverse complement: ERCC6 is on the minus strand); deleting any 3 consecutive bases within chr10:49,524,270-49,524,274 gives the same sequence; the c. name uses the placement nearest the transcript's 3' end. VCF-style (leftmost placement, unchanged base first): chr10-49524269-CTCG-C. GRCh37 (hg19) VCF-style: chr10-50732315-CTCG-C.
Other names: c.1158_1160del, p.Asp386del (NM_001277058.2, NM_001277059.2, NM_001346440.2); c.-247_-245del (NM_170753.3); short protein forms D386del.
Identifiers: ClinVar variation 5004251 (VCV005004251.1).

ClinVar aggregate classification (germline): Uncertain significance (1 of 4 stars; one submission).

Conditions:
Cockayne spectrum with or without cerebrooculofacioskeletal syndrome. Identifiers: MedGen CN315928, MONDO:0100506.

Submission:

Myriad Genetics, Inc.
Classification: Uncertain significance for Cockayne spectrum with or without cerebrooculofacioskeletal syndrome. Last evaluated: 2025-10-28. Review status: criteria provided, single submitter. Criteria: Myriad Autosomal Dominant, Autosomal Recessive and X-Linked Classification Criteria (2023). Collection method: clinical testing. Allele origin: unknown.
Comment: NM_000124.2(ERCC6):c.1158_1160delCGA(D386del) is an in-frame deletion classified as a variant of uncertain significance in the context of ERCC6-related disorders. D386del has not been observed in cases with relevant disease. Relevant functional assessments of this variant are not available in the literature. D386del has not been observed in referenced population frequency databases. In summary, there is insufficient evidence to classify NM_000124.2(ERCC6):c.1158_1160delCGA(D386del) as pathogenic or benign. Please note: this variant was assessed in the context of healthy population screening.